The following is an entry in ClinVar:

ClinVar aggregate classification (germline): Uncertain significance. Review status: criteria provided, multiple submitters, no conflicts (2 of 4 stars). 2 submissions from 2 submitters: Uncertain significance (2). Last evaluated 2025-11-07.

Allele frequency attached by ClinVar (database versions not stated): ExAC 0.00002; gnomAD exomes below 0.00001; gnomAD 0.00005; TOPMed 0.00005.
gnomAD v4.1: 11 of 1,613,960 alleles (0.00068%); highest among the groups gnomAD compares: African/African-American, 0.013%; no homozygotes.

Submissions (2):

Ambry Genetics
Classification: Uncertain significance. Last evaluated: 2025-11-07. Review status: criteria provided, single submitter. Criteria: Ambry Variant Classification Scheme 2023. Collection method: clinical testing. Allele origin: germline.

Mayo Clinic Laboratories, Mayo Clinic
Classification: Uncertain significance. Last evaluated: 2023-02-08. Review status: criteria provided, single submitter. Criteria: ACMG Guidelines, 2015. Collection method: clinical testing. Allele origin: germline. Observed: 1 variant allele.
Comment: BP4

NM_001701.4(BAAT):c.457C>T (p.Leu153Phe)

Gene: BAAT (bile acid-CoA:amino acid N-acyltransferase; minus strand). Cytogenetic location: 9q31.1.
Variant type: single nucleotide variant.
Coding change: c.457C>T on transcript NM_001701.4 (MANE Select); coding-DNA position 457, C replaced by T.
Protein change: p.Leu153Phe; replaces leucine 153 with phenylalanine.
Molecular consequence: missense variant.
Genome position (GRCh38, 1-based): chr9:101,370,948, G>A on the plus strand (C>T on the coding strand, the complement: BAAT is on the minus strand). VCF-style: chr9-101370948-G-A. GRCh37 (hg19) VCF-style: chr9-104133230-G-A.
Other names: p.Leu153Phe; c.457C>T, p.Leu153Phe (NM_001127610.2, NM_001374715.1); c.457C>T (NM_001701.3); short protein forms L153F.
Identifiers: ClinVar variation 2683057 (VCV002683057.2), dbSNP rs779384536, ClinGen allele CA5160714.